The following is an entry in ClinVar:

NM_152703.5(SAMD9L):c.2676G>A (p.Met892Ile)

Gene: SAMD9L (sterile alpha motif domain containing 9 like; minus strand). Cytogenetic location: 7q21.2.
Variant type: single nucleotide variant.
Coding change: c.2676G>A on transcript NM_152703.5 (MANE Select); coding-DNA position 2676, G replaced by A.
Protein change: p.Met892Ile; replaces methionine 892 with isoleucine.
Molecular consequence: missense variant.
Genome position (GRCh38, 1-based): chr7:93,133,296, C>T on the plus strand (G>A on the coding strand, the complement: SAMD9L is on the minus strand). VCF-style: chr7-93133296-C-T. GRCh37 (hg19) VCF-style: chr7-92762609-C-T.
Other names: c.2676G>A, p.Met892Ile (NM_001303496.3, NM_001303497.3, NM_001303498.3 and 5 more transcripts); short protein forms M892I.
Identifiers: ClinVar variation 2129681 (VCV002129681.4), dbSNP rs1258385388, ClinGen allele CA368186655.

ClinVar aggregate classification (germline): Uncertain significance (1 of 4 stars; one submission).

Submission:

Labcorp Genetics (formerly Invitae), Labcorp
Classification: Uncertain significance. Last evaluated: 2023-07-10. Review status: criteria provided, single submitter. Criteria: Invitae Variant Classification Sherloc (09022015). Collection method: clinical testing. Allele origin: germline.
Comment: This sequence change replaces methionine, which is neutral and non-polar, with isoleucine, which is neutral and non-polar, at codon 892 of the SAMD9L protein (p.Met892Ile). This variant is not present in population databases (gnomAD no frequency). This variant has not been reported in the literature in individuals affected with SAMD9L-related conditions. ClinVar contains an entry for this variant (Variation ID: 2129681). Advanced modeling of protein sequence and biophysical properties (such as structural, functional, and spatial information, amino acid conservation, physicochemical variation, residue mobility, and thermodynamic stability) has been performed at Invitae for this missense variant, however the output from this modeling did not meet the statistical confidence thresholds required to predict the impact of this variant on SAMD9L protein function. In summary, the available evidence is currently insufficient to determine the role of this variant in disease. Therefore, it has been classified as a Variant of Uncertain Significance.